The following is an entry in ClinVar:

NM_199420.4(POLQ):c.3005G>A (p.Gly1002Glu)

Gene: POLQ (DNA polymerase theta; minus strand). Cytogenetic location: 3q13.33.
Variant type: single nucleotide variant.
Coding change: c.3005G>A on transcript NM_199420.4 (MANE Select); coding-DNA position 3005, G replaced by A.
Protein change: p.Gly1002Glu; replaces glycine 1002 with glutamic acid.
Molecular consequence: missense variant.
Genome position (GRCh38, 1-based): chr3:121,489,926, C>T on the plus strand (G>A on the coding strand, the complement: POLQ is on the minus strand). VCF-style: chr3-121489926-C-T. GRCh37 (hg19) VCF-style: chr3-121208773-C-T.
Other names: short protein forms G1002E.
Identifiers: ClinVar variation 1798737 (VCV001798737.2), dbSNP rs768212561, ClinGen allele CA2563143.

ClinVar aggregate classification (germline): Uncertain significance (1 of 4 stars; one submission).

Allele frequency attached by ClinVar (database versions not stated): gnomAD exomes below 0.00001; TOPMed below 0.00001; ExAC 0.00001; gnomAD 0.00001.
gnomAD v4.1: 3 of 1,581,954 alleles (0.00019%); highest among the groups gnomAD compares: Non-Finnish European, 0.00026%; no homozygotes.

Submission:

Ambry Genetics
Classification: Uncertain significance. Last evaluated: 2023-12-24. Review status: criteria provided, single submitter. Criteria: Ambry Variant Classification Scheme 2023. Collection method: clinical testing. Allele origin: germline.
Comment: The p.G1002E variant (also known as c.3005G>A), located in coding exon 16 of the POLQ gene, results from a G to A substitution at nucleotide position 3005. The glycine at codon 1002 is replaced by glutamic acid, an amino acid with similar properties. This amino acid position is conserved. In addition, this alteration is predicted to be tolerated by in silico analysis. Since supporting evidence is limited at this time, the clinical significance of this alteration remains unclear.